The following is an entry in ClinVar:

ClinVar aggregate classification (germline): Uncertain significance. Review status: criteria provided, multiple submitters, no conflicts (2 of 4 stars). 2 submissions from 2 submitters: Uncertain significance (2). Last evaluated 2024-08-20.

Conditions:
Candidiasis, familial, 9 (CANDF9). Identifiers: Orphanet 1334, MedGen C4225324, MONDO:0014642, OMIM 616445.

Allele frequency attached by ClinVar (database versions not stated): gnomAD 0.00001; TOPMed 0.00002.
gnomAD v4.1: 1 of 1,557,358 alleles (0.000064%); highest among the groups gnomAD compares: Admixed American, 0.002%; no homozygotes.

Submissions (2):

Ambry Genetics
Classification: Uncertain significance. Last evaluated: 2024-08-20. Review status: criteria provided, single submitter. Criteria: Ambry Variant Classification Scheme 2023. Collection method: clinical testing. Allele origin: germline.

Labcorp Genetics (formerly Invitae), Labcorp
Classification: Uncertain significance for Candidiasis, familial, 9. Last evaluated: 2022-07-19. Review status: criteria provided, single submitter. Criteria: Invitae Variant Classification Sherloc (09022015). Collection method: clinical testing. Allele origin: germline.
Comment: In summary, the available evidence is currently insufficient to determine the role of this variant in disease. Therefore, it has been classified as a Variant of Uncertain Significance. Algorithms developed to predict the effect of missense changes on protein structure and function are either unavailable or do not agree on the potential impact of this missense change (SIFT: "Deleterious"; PolyPhen-2: "Probably Damaging"; Align-GVGD: "Class C0"). ClinVar contains an entry for this variant (Variation ID: 1358262). This variant has not been reported in the literature in individuals affected with IL17RC-related conditions. This variant is not present in population databases (gnomAD no frequency). This sequence change replaces alanine, which is neutral and non-polar, with valine, which is neutral and non-polar, at codon 605 of the IL17RC protein (p.Ala605Val).

NM_153460.4(IL17RC):c.1601C>T (p.Ala534Val)

Gene: IL17RC (interleukin 17 receptor C; plus strand). Cytogenetic location: 3p25.3.
Variant type: single nucleotide variant.
Coding change: c.1601C>T on transcript NM_153460.4 (MANE Select); coding-DNA position 1601, C replaced by T.
Protein change: p.Ala534Val; replaces alanine 534 with valine.
Molecular consequence: missense variant. On other transcripts: non-coding transcript variant (1).
Genome position (GRCh38, 1-based): chr3:9,933,031, C>T. VCF-style: chr3-9933031-C-T. GRCh37 (hg19) VCF-style: chr3-9974715-C-T.
Other names: c.1562C>T, p.Ala521Val (NM_001203263.2); c.1511C>T, p.Ala504Val (NM_001203264.2); c.1505C>T, p.Ala502Val (NM_001203265.2); c.1523C>T, p.Ala508Val (NM_001367278.1); c.1442C>T, p.Ala481Val (NM_001367279.1); c.1517C>T, p.Ala506Val (NM_001367280.1); c.1556C>T, p.Ala519Val (NM_032732.6); c.1814C>T, p.Ala605Val (NM_153461.4); and 1 more; short protein forms A481V, A504V, A506V, A534V, A502V, A508V, A519V, A521V.
Identifiers: ClinVar variation 1358262 (VCV001358262.9), dbSNP rs2084930608, ClinGen allele CA351704799.
Genomic context (GRCh38, chr3:9,933,031, plus strand): 5'-CGGCTCTGCTCCTCTACTCAGCCGATGACTCGGGTTTCGAGCGCCTGGTGGGCGCCCTGG[C>T]GTCGGCCCTGTGCCAGCTGCCGCTGCGCGTGGCCGTAGACCTGTGGAGCCGTCGTGAACT-3'
Protein context (NP_703190.2, residues 524-544): SGFERLVGAL[Ala534Val]SALCQLPLRV